The following is an entry in ClinVar:

ClinVar aggregate classification (germline): Uncertain significance. Review status: criteria provided, multiple submitters, no conflicts (2 of 4 stars). 2 submissions from 2 submitters: Uncertain significance (2). Last evaluated 2022-06-20.

Conditions:
Atrial fibrillation, familial, 7 (ATFB7). Identifiers: MedGen C2677106, MONDO:0012828, OMIM 612240.

Allele frequency attached by ClinVar (database versions not stated): gnomAD 0.00001; gnomAD exomes 0.00001 and 0.00002; TOPMed 0.00002.

Submissions (2):

Labcorp Genetics (formerly Invitae), Labcorp
Classification: Uncertain significance for Atrial fibrillation, familial, 7. Last evaluated: 2022-06-20. Review status: criteria provided, single submitter. Criteria: Invitae Variant Classification Sherloc (09022015). Collection method: clinical testing. Allele origin: germline.
Comment: In summary, the available evidence is currently insufficient to determine the role of this variant in disease. Therefore, it has been classified as a Variant of Uncertain Significance. Algorithms developed to predict the effect of missense changes on protein structure and function output the following: SIFT: "Deleterious"; PolyPhen-2: "Benign"; Align-GVGD: "Class C0". The cysteine amino acid residue is found in multiple mammalian species, which suggests that this missense change does not adversely affect protein function. This variant has not been reported in the literature in individuals affected with KCNA5-related conditions. The frequency data for this variant in the population databases is considered unreliable, as metrics indicate poor data quality at this position in the gnomAD database. This sequence change replaces arginine, which is basic and polar, with cysteine, which is neutral and slightly polar, at codon 54 of the KCNA5 protein (p.Arg54Cys).

Fulgent Genetics
Classification: Uncertain significance for Atrial fibrillation, familial, 7. Last evaluated: 2022-02-01. Review status: criteria provided, single submitter. Criteria: ACMG Guidelines, 2015. Collection method: clinical testing. Allele origin: unknown.

NM_002234.4(KCNA5):c.160C>T (p.Arg54Cys)

Gene: KCNA5 (potassium voltage-gated channel subfamily A member 5; plus strand). Cytogenetic location: 12p13.32.
Variant type: single nucleotide variant.
Coding change: c.160C>T on transcript NM_002234.4 (MANE Select); coding-DNA position 160, C replaced by T.
Protein change: p.Arg54Cys; replaces arginine 54 with cysteine.
Molecular consequence: missense variant.
Genome position (GRCh38, 1-based): chr12:5,044,307, C>T. VCF-style: chr12-5044307-C-T. GRCh37 (hg19) VCF-style: chr12-5153473-C-T.
Other names: short protein forms R54C.
Identifiers: ClinVar variation 1386040 (VCV001386040.7), dbSNP rs1357336410, ClinGen allele CA383462015.